The following is an entry in ClinVar:

NM_148960.3(CLDN19):c.65T>C (p.Ile22Thr)

Gene: CLDN19 (claudin 19; minus strand). Cytogenetic location: 1p34.2.
Variant type: single nucleotide variant.
Coding change: c.65T>C on transcript NM_148960.3 (MANE Select); coding-DNA position 65, T replaced by C.
Protein change: p.Ile22Thr; replaces isoleucine 22 with threonine.
Molecular consequence: missense variant.
Genome position (GRCh38, 1-based): chr1:42,739,999, A>G on the plus strand (T>C on the coding strand, the complement: CLDN19 is on the minus strand). VCF-style: chr1-42739999-A-G. GRCh37 (hg19) VCF-style: chr1-43205670-A-G.
Other names: p.Ile22Thr; c.65T>C, p.Ile22Thr (NM_001123395.2, NM_001185117.2); short protein forms I22T.
Identifiers: ClinVar variation 297346 (VCV000297346.27), dbSNP rs140913043, ClinGen allele CA801482.

ClinVar aggregate classification (germline): Uncertain significance. Review status: criteria provided, multiple submitters, no conflicts (2 of 4 stars). 8 submissions from 8 submitters: Uncertain significance (7). 1 of the submissions does not count toward it. Last evaluated 2025-10-01.

Conditions:
CLDN19-related disorder. Also called: CLDN19-related condition.
Renal hypomagnesemia 5 with ocular involvement. Also called: HYPOMAGNESEMIA 5, RENAL, WITH OR WITHOUT OCULAR INVOLVEMENT; FHHNC WITH SEVERE OCULAR INVOLVEMENT; HYPOMAGNESEMIA, FAMILIAL, WITH HYPERCALCIURIA, NEPHROCALCINOSIS, AND SEVERE OCULAR INVOLVEMENT; MACULAR COLOBOMA, BILATERAL, WITH HYPERCALCIURIA. Identifiers: Orphanet 2196, MedGen C4721891, MONDO:0009548, OMIM 248190.

Allele frequency attached by ClinVar (database versions not stated): 1000 Genomes Project 0.00040; 1000 Genomes Project 30x 0.00047; gnomAD 0.00053 and 0.00056; gnomAD exomes 0.00054 and 0.00069; ESP Exome Variant Server 0.00062; TOPMed 0.00063; ExAC 0.00105.
gnomAD v4.1: 1,050 of 1,582,548 alleles (0.066%); highest among the groups gnomAD compares: Non-Finnish European, 0.083%; 1 homozygote.

Submissions (8):

Labcorp Genetics (formerly Invitae), Labcorp
Classification: Uncertain significance. Last evaluated: 2025-10-01. Review status: criteria provided, single submitter. Criteria: Invitae Variant Classification Sherloc (09022015). Collection method: clinical testing. Allele origin: germline.
Comment: This sequence change replaces isoleucine, which is neutral and non-polar, with threonine, which is neutral and polar, at codon 22 of the CLDN19 protein (p.Ile22Thr). This variant is present in population databases (rs140913043, gnomAD 0.09%), and has an allele count higher than expected for a pathogenic variant. This variant has not been reported in the literature in individuals affected with CLDN19-related conditions. ClinVar contains an entry for this variant (Variation ID: 297346). An algorithm developed to predict the effect of missense changes on protein structure and function (PolyPhen-2) suggests that this variant is likely to be disruptive. In summary, the available evidence is currently insufficient to determine the role of this variant in disease. Therefore, it has been classified as a Variant of Uncertain Significance.

Mayo Clinic Laboratories, Mayo Clinic
Classification: Uncertain significance. Last evaluated: 2025-08-10. Review status: criteria provided, single submitter. Criteria: ACMG Guidelines, 2015. Collection method: clinical testing. Allele origin: germline. Observed: 1 variant allele.
Comment: BS1, PP3_moderate

CeGaT Center for Human Genetics Tuebingen
Classification: Uncertain significance. Last evaluated: 2024-12-01. Review status: criteria provided, single submitter. Criteria: CeGaT Center For Human Genetics Tuebingen Variant Classification Criteria Version 2. Collection method: clinical testing. Allele origin: germline. Affected: yes. Observed: 1 variant allele.
Comment: CLDN19: PP3

Blueprint Genetics
Classification: Uncertain significance. Last evaluated: 2024-10-25. Review status: criteria provided, single submitter. Criteria: ACMG Guidelines, 2015. Collection method: clinical testing. Allele origin: germline.

Fulgent Genetics
Classification: Uncertain significance for Renal hypomagnesemia 5 with ocular involvement. Last evaluated: 2024-06-17. Review status: criteria provided, single submitter. Criteria: ACMG Guidelines, 2015. Collection method: clinical testing. Allele origin: germline.

Department of Pathology and Laboratory Medicine, Sinai Health System
Classification: Uncertain significance for renal hypomagnesemia 5 with ocular involvement. Last evaluated: 2020-04-30. Review status: criteria provided, single submitter. Criteria: ACMG Guidelines, 2015. Collection method: research. Allele origin: germline.

Illumina Laboratory Services, Illumina
Classification: Uncertain significance for Renal hypomagnesemia 5 with ocular involvement. Last evaluated: 2018-01-13. Review status: criteria provided, single submitter. Criteria: ICSL Variant Classification Criteria 13 December 2019. Collection method: clinical testing. Allele origin: germline.

PreventionGenetics, part of Exact Sciences
Classification: Uncertain significance for CLDN19-related condition. Last evaluated: 2024-04-18. Review status: no assertion criteria provided. Collection method: clinical testing. Allele origin: germline. Not counted in ClinVar's aggregate classification.
Comment: The CLDN19 c.65T>C variant is predicted to result in the amino acid substitution p.Ile22Thr. This variant was reported with a second CLDN19 variant in an individual with a myelomenigocele and both variants were maternally-inherited (Supp. Fig 1 and Supp. Table 4, Baumholtz et al 2020. PubMed ID: 32760237). This variant is reported in 0.090% of alleles in individuals of European (non-Finnish) descent in gnomAD. At this time, the clinical significance of this variant is uncertain due to the absence of conclusive functional and genetic evidence.

Literature cited by the submitters: PubMed 32760237 (cited by Mayo Clinic Laboratories, Mayo Clinic).